The following is an entry in ClinVar:

ClinVar aggregate classification (germline): Pathogenic/Likely pathogenic. Review status: criteria provided, multiple submitters, no conflicts (2 of 4 stars). 4 submissions from 4 submitters: Pathogenic (3); Likely pathogenic (1). Last evaluated 2025-07-17.

Conditions:
CHD7-related CHARGE syndrome. Identifiers: MedGen CN380413, MONDO:1010178, OMIM 214800.
CHARGE syndrome (CHARGE). Also called: Hittner Hirsch Kreh syndrome; Coloboma, heart anomaly, choanal atresia, retardation, genital and ear anomalies; CHARGE association; Hall-Hittner syndrome; CHARGE ASSOCIATION--COLOBOMA, HEART ANOMALY, CHOANAL ATRESIA, RETARDATION, GENITAL AND EAR ANOMALIES. Identifiers: Orphanet 138, MedGen C0265354, MONDO:0008965.

Submissions (4):

3billion
Classification: Likely pathogenic for CHD7-related CHARGE syndrome. Last evaluated: 2025-07-17. Review status: criteria provided, single submitter. Criteria: ACMG Guidelines, 2015. Collection method: clinical testing. Allele origin: germline. Affected: yes.
Comment: The variant is not observed in the gnomAD v4.1.0 dataset. Predicted Consequence/Location: Frameshift: predicted to result in a loss or disruption of normal protein function through protein truncation. The predicted truncated protein may be shortened by less than 10%. The variant has been reported at least twice as pathogenic with clinical assertions and evidence for the classification (ClinVar ID: VCV000547198 /PMID: 16400610). Therefore, this variant is classified as Likely pathogenic according to the recommendation of ACMG/AMP guideline.

GeneDx
Classification: Pathogenic. Last evaluated: 2024-06-29. Review status: criteria provided, single submitter. Criteria: GeneDx Variant Classification Process June 2021. Collection method: clinical testing. Allele origin: germline. Affected: yes.
Comment: Frameshift variant predicted to result in abnormal protein length as the last 82 amino acids are replaced with 24 different amino acids, and other similar variants have been reported in HGMD.; Not observed at significant frequency in large population cohorts (gnomAD); This variant is associated with the following publications: (PMID: 16400610, 16155193)

Labcorp Genetics (formerly Invitae), Labcorp
Classification: Pathogenic for CHARGE syndrome. Last evaluated: 2022-01-22. Review status: criteria provided, single submitter. Criteria: Invitae Variant Classification Sherloc (09022015). Collection method: clinical testing. Allele origin: germline.
Comment: This sequence change creates a premature translational stop signal (p.Leu2916Ilefs*25) in the CHD7 gene. While this is not anticipated to result in nonsense mediated decay, it is expected to disrupt the last 82 amino acid(s) of the CHD7 protein. This variant is not present in population databases (gnomAD no frequency). This premature translational stop signal has been observed in individual(s) with clinical features of CHARGE syndrome (PMID: 16155193). ClinVar contains an entry for this variant (Variation ID: 547198). This variant disrupts a region of the CHD7 protein in which other variant(s) (p.Asp2988Glyfs*2) have been determined to be pathogenic (PMID: 18073582, 31564432). This suggests that this is a clinically significant region of the protein, and that variants that disrupt it are likely to be disease-causing. For these reasons, this variant has been classified as Pathogenic.

Center for Human Genetics, Inc
Classification: Pathogenic for CHARGE syndrome. Last evaluated: 2016-11-01. Review status: criteria provided, single submitter. Criteria: ACMG Guidelines, 2015. Collection method: clinical testing. Allele origin: germline. Affected: yes.

Literature cited by the submitters: PubMed 16400610 (cited by 3billion); PubMed 16155193 (cited by Labcorp Genetics (formerly Invitae), Labcorp); PubMed 18073582 (cited by Labcorp Genetics (formerly Invitae), Labcorp); PubMed 31564432 (cited by Labcorp Genetics (formerly Invitae), Labcorp).

NM_017780.4(CHD7):c.8744dup (p.Leu2916fs)

Gene: CHD7 (chromodomain helicase DNA binding protein 7; plus strand). Cytogenetic location: 8q12.2.
Variant type: Duplication.
Coding change: c.8744dup on transcript NM_017780.4 (MANE Select); coding-DNA position 8744, one base duplicated (G; older notation c.8744dupG).
Protein change: p.Leu2916fs; shifts the reading frame from leucine 2916.
Molecular consequence: frameshift variant.
Genome position (GRCh38, 1-based): chr8:60,865,683, G duplicated; the last of 6 consecutive G bases (chr8:60,865,678-60,865,683); duplicating any one gives the same sequence. VCF-style (leftmost placement, unchanged base first): chr8-60865677-T-TG. GRCh37 (hg19) VCF-style: chr8-61778236-T-TG.
Other names: c.2597dup, p.Leu867fs (NM_001316690.1); c.8744dup (NM_017780.2); c.8744dupG (NM_017780.3); short protein forms L867fs, L2916fs.
Identifiers: ClinVar variation 547198 (VCV000547198.8), dbSNP rs1554607313, ClinGen allele CA658821534.
Genomic context (GRCh38, chr8:60,865,677, plus strand): 5'-TCCTCCTGTCCACAATGGCCCCGGGCCTCTTCTACCCATCCATGTTTCTACCTCCAGGAC[T>TG]GGGGGGATTGACGCTGCCTGGGTTCCCAGCATTGGCAGGACTTCAGAATGCCGTGGGCTC-3'